The following is an entry in ClinVar:

NM_004006.3(DMD):c.5908A>G (p.Asn1970Asp)

Gene: DMD (dystrophin; minus strand). Cytogenetic location: Xp21.1.
Variant type: single nucleotide variant.
Coding change: c.5908A>G on transcript NM_004006.3 (MANE Select); coding-DNA position 5908, A replaced by G.
Protein change: p.Asn1970Asp; replaces asparagine 1970 with aspartic acid.
Molecular consequence: missense variant.
Genome position (GRCh38, 1-based): chrX:32,342,114, T>C on the plus strand (A>G on the coding strand, the complement: DMD is on the minus strand). VCF-style: chrX-32342114-T-C. GRCh37 (hg19) VCF-style: chrX-32360231-T-C.
Other names: c.5884A>G, p.Asn1962Asp (NM_000109.4); c.5896A>G, p.Asn1966Asp (NM_004009.3); c.5539A>G, p.Asn1847Asp (NM_004010.3); c.1885A>G, p.Asn629Asp (NM_004011.4); c.1876A>G, p.Asn626Asp (NM_004012.4); short protein forms N1847D, N1966D, N1970D, N626D, N1962D, N629D.
Identifiers: ClinVar variation 2696031 (VCV002696031.3), dbSNP rs2521802372, ClinGen allele CA412664698.

ClinVar aggregate classification (germline): Uncertain significance (1 of 4 stars; one submission).

Conditions:
Duchenne muscular dystrophy (DMD). Also called: MUSCULAR DYSTROPHY, PSEUDOHYPERTROPHIC PROGRESSIVE, DUCHENNE TYPE; Duchenne Muscular Dystrophy (DMD). Identifiers: Orphanet 98896, MedGen C0013264, MONDO:0010679, OMIM 310200.

Allele frequency attached by ClinVar (database versions not stated): gnomAD exomes 0.00001.
gnomAD v4.1: 4 of 1,208,965 alleles (0.00033%); highest among the groups gnomAD compares: Non-Finnish European, 0.00045%; no homozygotes.

Submission:

Labcorp Genetics (formerly Invitae), Labcorp
Classification: Uncertain significance for Duchenne muscular dystrophy. Last evaluated: 2023-03-18. Review status: criteria provided, single submitter. Criteria: Invitae Variant Classification Sherloc (09022015). Collection method: clinical testing. Allele origin: germline.
Comment: This sequence change replaces asparagine, which is neutral and polar, with aspartic acid, which is acidic and polar, at codon 1970 of the DMD protein (p.Asn1970Asp). This variant is not present in population databases (gnomAD no frequency). This variant has not been reported in the literature in individuals affected with DMD-related conditions. Advanced modeling of protein sequence and biophysical properties (such as structural, functional, and spatial information, amino acid conservation, physicochemical variation, residue mobility, and thermodynamic stability) performed at Invitae indicates that this missense variant is not expected to disrupt DMD protein function. In summary, the available evidence is currently insufficient to determine the role of this variant in disease. Therefore, it has been classified as a Variant of Uncertain Significance.